The following is an entry in ClinVar:

NM_000059.4(BRCA2):c.8518del (p.Ile2840fs)

Gene: BRCA2 (BRCA2 DNA repair associated; plus strand). Cytogenetic location: 13q13.1.
Variant type: Deletion.
Coding change: c.8518del on transcript NM_000059.4 (MANE Select); coding-DNA position 8518, one base deleted (A; older notation c.8518delA).
Protein change: p.Ile2840fs; shifts the reading frame from isoleucine 2840.
Molecular consequence: frameshift variant.
Genome position (GRCh38, 1-based): chr13:32,370,986, A deleted. VCF-style (leftmost placement, unchanged base first): chr13-32370985-CA-C. GRCh37 (hg19) VCF-style: chr13-32945122-CA-C.
Other names: 8746delA-ter2862; c.8518delA (NM_000059.3); short protein forms I2840fs.
Identifiers: ClinVar variation 267095 (VCV000267095.10), dbSNP rs886040780, ClinGen allele CA10589505.

ClinVar aggregate classification (germline): Pathogenic. Review status: reviewed by expert panel (3 of 4 stars). 4 submissions from 4 submitters: Pathogenic (1). 3 of the submissions do not count toward it. Last evaluated 2016-10-18.

Conditions:
Hereditary cancer-predisposing syndrome. Also called: Hereditary Cancer Syndrome; Neoplastic Syndromes, Hereditary; Hereditary neoplastic syndrome; Tumor predisposition. Identifiers: Orphanet 140162, MedGen C0027672, MeSH D009386, MONDO:0015356.
Breast-ovarian cancer, familial, susceptibility to, 2 (BROVCA2). Also called: BRCA2 Hereditary Breast and Ovarian Cancer. Identifiers: Orphanet 145, MedGen C2675520, MONDO:0012933, OMIM 612555. Disease mechanism: loss of function.
Breast-ovarian cancer, familial, susceptibility to, 1 (BROVCA1). Also called: BRCA1 Hereditary Breast and Ovarian Cancer; OVARIAN CANCER, SUSCEPTIBILITY TO. Identifiers: Orphanet 145, MedGen C2676676, MONDO:0011450, OMIM 604370. Disease mechanism: loss of function.

Submissions (4):

Evidence-based Network for the Interpretation of Germline Mutant Alleles (ENIGMA)
Classification: Pathogenic for Breast-ovarian cancer, familial, susceptibility to, 2. Last evaluated: 2016-10-18. Review status: reviewed by expert panel. Criteria: ENIGMA BRCA1/2 Classification Criteria (2015). Collection method: curation. Allele origin: germline.
Comment: Variant allele predicted to encode a truncated non-functional protein.

Institute of Immunology and Genetics Kaiserslautern
Classification: Pathogenic for Breast-ovarian cancer, familial, susceptibility to, 1. Last evaluated: 2025-07-31. Review status: criteria provided, single submitter. Criteria: ACMG Guidelines, 2015. Collection method: clinical testing. Allele origin: germline. Affected: yes. Not counted in ClinVar's aggregate classification.
Comment: ACMG Criteria: PVS1, PM2, PP5_M.

Ambry Genetics
Classification: Pathogenic for Hereditary cancer-predisposing syndrome. Last evaluated: 2019-09-30. Review status: criteria provided, single submitter. Criteria: Ambry Variant Classification Scheme 2023. Collection method: clinical testing. Allele origin: germline. Not counted in ClinVar's aggregate classification.
Comment: The c.8518delA pathogenic mutation, located in coding exon 19 of the BRCA2 gene, results from a deletion of one nucleotide at nucleotide position 8518, causing a translational frameshift with a predicted alternate stop codon (p.I2840Yfs*23). This alteration was identified in a large, worldwide study of BRCA1/2 mutation positive families (Rebbeck TR et al. Hum. Mutat., 2018 05;39:593-620). In addition to the clinical data presented in the literature, this alteration is expected to result in loss of function by premature protein truncation or nonsense-mediated mRNA decay. As such, this alteration is interpreted as a disease-causing mutation.

Consortium of Investigators of Modifiers of BRCA1/2 (CIMBA), c/o University of Cambridge
Classification: Pathogenic for Breast-ovarian cancer, familial, susceptibility to, 2. Last evaluated: 2015-10-02. Review status: criteria provided, single submitter. Criteria: CIMBA Mutation Classification guidelines May 2016. Collection method: clinical testing. Allele origin: germline. Not counted in ClinVar's aggregate classification.

Literature cited by the submitters: PubMed 29446198 (cited by Ambry Genetics).